The following is an entry in ClinVar:

NM_001384474.1(LOXHD1):c.3071A>G (p.Tyr1024Cys)

Gene: LOXHD1 (lipoxygenase homology PLAT domains 1; minus strand). Cytogenetic location: 18q21.1.
Variant type: single nucleotide variant.
Coding change: c.3071A>G on transcript NM_001384474.1 (MANE Select); coding-DNA position 3071, A replaced by G.
Protein change: p.Tyr1024Cys; replaces tyrosine 1024 with cysteine.
Molecular consequence: missense variant.
Genome position (GRCh38, 1-based): chr18:46,559,593, T>C on the plus strand (A>G on the coding strand, the complement: LOXHD1 is on the minus strand). VCF-style: chr18-46559593-T-C. GRCh37 (hg19) VCF-style: chr18-44139556-T-C.
Other names: c.3071A>G, p.Tyr1024Cys (NM_144612.7); short protein forms Y1024C.
Identifiers: ClinVar variation 4534622 (VCV004534622.9).
Genomic context (GRCh38, chr18:46,559,593, plus strand): 5'-AGGTAGACGTTAGCATCAGTGCCGGCCTTGGGCACATTCCCCGTGACCACCTGAACCTCA[T>C]AGGTGTTTCCTGTAGACACAGAAAGATGCAGTGTGGAGGGCCTCATGGCCATGGGGTGTT-3'
Protein context (NP_001371403.1, residues 1014-1034): AGKPGPERNT[Tyr1024Cys]EVQVVTGNVP

ClinVar aggregate classification (germline): Conflicting classifications of pathogenicity. Review status: criteria provided, conflicting classifications (1 of 4 stars). 4 submissions from 4 submitters: Likely pathogenic (1); Uncertain significance (3). Last evaluated 2026-03-31.

Conditions:
Autosomal recessive nonsyndromic hearing loss 77. Identifiers: Orphanet 90636, MedGen C2746083, MONDO:0013119, OMIM 613079.
LOXHD1-related disorder. Also called: LOXHD1-related condition.

gnomAD v4.1: 9 of 1,551,768 alleles (0.00058%); highest among the groups gnomAD compares: Non-Finnish European, 0.00052%; no homozygotes.

Submissions (4):

Myriad Genetics, Inc.
Classification: Uncertain significance for Autosomal recessive nonsyndromic hearing loss 77. Last evaluated: 2026-03-31. Review status: criteria provided, single submitter. Criteria: Myriad Autosomal Dominant, Autosomal Recessive and X-Linked Classification Criteria (2023). Collection method: clinical testing. Allele origin: unknown.
Comment: NM_144612.6(LOXHD1):c.3071A>G(Y1024C) is a missense variant classified as a variant of uncertain significance in the context of nonsyndromic hearing loss, LOXHD1-related. Y1024C has been observed in a case with relevant disease (PMID: 30622556). Relevant functional assessments of this variant are not available in the literature. Y1024C has not been observed in referenced population frequency databases. In summary, there is insufficient evidence to classify NM_144612.6(LOXHD1):c.3071A>G(Y1024C) as pathogenic or benign. Please note: this variant was assessed in the context of healthy population screening.

CeGaT Center for Human Genetics Tuebingen
Classification: Uncertain significance. Last evaluated: 2025-10-01. Review status: criteria provided, single submitter. Criteria: CeGaT Center For Human Genetics Tuebingen Variant Classification Criteria Version 2. Collection method: clinical testing. Allele origin: germline. Affected: yes. Observed: 1 variant allele.
Comment: LOXHD1: PM2, PM3:Supporting

Blueprint Genetics
Classification: Likely pathogenic for LOXHD1-related disorders. Last evaluated: 2023-09-15. Review status: criteria provided, single submitter. Criteria: ACMG Guidelines, 2015. Collection method: clinical testing. Allele origin: germline. Affected: yes. Observed: 1 variant allele.

Juno Genomics, Hangzhou Juno Genomics, Inc
Classification: Uncertain significance for Autosomal recessive nonsyndromic hearing loss 77. Review status: criteria provided, single submitter. Criteria: ACMG Guidelines, 2015. Collection method: clinical testing. Allele origin: germline. Affected: yes.
Comment: Absent from controls (or at extremely low frequency if recessive) in Genome Aggregation Database.;Multiple lines of computational evidence support a deleterious effect on the gene or gene product.;For recessive disorders, detected in trans with a pathogenic variant.

Literature cited by the submitters: PubMed 30622556 (cited by Myriad Genetics, Inc.).